The following is an entry in ClinVar:

ClinVar aggregate classification (germline): Uncertain significance (1 of 4 stars; one submission).

Conditions:
Inborn genetic diseases. Identifiers: MedGen C0950123, MeSH D030342.

gnomAD v4.1: 1 of 1,548,402 alleles (0.000065%); highest among the groups gnomAD compares: Non-Finnish European, 0.000087%; no homozygotes.

Submission:

Ambry Genetics
Classification: Uncertain significance for Inborn genetic diseases. Last evaluated: 2025-12-19. Review status: criteria provided, single submitter. Criteria: Ambry Variant Classification Scheme 2023. Collection method: clinical testing. Allele origin: germline.
Comment: The p.I1181T variant (also known as c.3542T>C), located in coding exon 33 of the RTEL1 gene, results from a T to C substitution at nucleotide position 3542. The isoleucine at codon 1181 is replaced by threonine, an amino acid with similar properties. This amino acid position is conserved. In addition, this alteration is predicted to be tolerated by in silico analysis. Based on the available evidence, the clinical significance of this variant remains unclear.

NM_001283009.2(RTEL1):c.3542T>C (p.Ile1181Thr)

Genes: RTEL1 (regulator of telomere elongation helicase 1; plus strand), RTEL1-TNFRSF6B (RTEL1-TNFRSF6B readthrough (NMD candidate); plus strand). Cytogenetic location: 20q13.33.
Variant type: single nucleotide variant.
Coding change: c.3542T>C on transcript NM_001283009.2 (MANE Select); coding-DNA position 3542, T replaced by C.
Protein change: p.Ile1181Thr; replaces isoleucine 1181 with threonine.
Molecular consequence: missense variant. On other transcripts: non-coding transcript variant (1).
Genome position (GRCh38, 1-based): chr20:63,695,370, T>C. VCF-style: chr20-63695370-T-C. GRCh37 (hg19) VCF-style: chr20-62326723-T-C.
Other names: c.2873T>C, p.Ile958Thr (NM_001283010.1); c.3542T>C, p.Ile1181Thr (NM_016434.4); c.3614T>C, p.Ile1205Thr (NM_032957.5); short protein forms I1181T, I1205T, I958T.
Identifiers: ClinVar variation 4844067 (VCV004844067.1).